The following is an entry in ClinVar:

NM_000798.5(DRD5):c.186C>A (p.Cys62Ter)

Genes: DRD5 (dopamine receptor D5; plus strand), SLC2A9 (solute carrier family 2 member 9; minus strand). Cytogenetic location: 4p16.1.
Variant type: single nucleotide variant.
Coding change: c.186C>A on transcript NM_000798.5 (MANE Select); coding-DNA position 186, C replaced by A.
Protein change: p.Cys62Ter; replaces cysteine 62 with a stop codon.
Molecular consequence: nonsense.
Genome position (GRCh38, 1-based): chr4:9,782,215, C>A. VCF-style: chr4-9782215-C-A. GRCh37 (hg19) VCF-style: chr4-9783839-C-A.
Other names: short protein forms C62*.
Identifiers: ClinVar variation 3043073 (VCV003043073.2), dbSNP rs570059380, ClinGen allele CA2856448.
Genomic context (GRCh38, chr4:9,782,215, plus strand): 5'-CACCGCCTGCCTGCTGACCCTACTCATCATCTGGACCCTGCTGGGCAACGTGCTGGTGTG[C>A]GCAGCCATCGTGCGGAGCCGCCACCTGCGCGCCAACATGACCAACGTCTTCATCGTGTCT-3'

ClinVar aggregate classification (germline): Likely benign (0 of 4 stars; one submission).

Conditions:
DRD5-related disorder. Also called: DRD5-related condition.

Allele frequency attached by ClinVar (database versions not stated): TOPMed 0.00006; gnomAD 0.00021; ExAC 0.00099; 1000 Genomes Project 30x 0.00125; 1000 Genomes Project 0.00160.
gnomAD v4.1: 644 of 1,611,896 alleles (0.04%); highest among the groups gnomAD compares: South Asian, 0.66%; 13 homozygotes.

Submission:

PreventionGenetics, part of Exact Sciences
Classification: Likely benign for DRD5-related condition. Last evaluated: 2019-12-06. Review status: no assertion criteria provided. Collection method: clinical testing. Allele origin: germline.
Comment: This variant is classified as likely benign based on ACMG/AMP sequence variant interpretation guidelines (Richards et al. 2015 PMID: 25741868, with internal and published modifications).